The following is an entry in ClinVar:

NM_000276.4(OCRL):c.586A>G (p.Asn196Asp)

Gene: OCRL (OCRL inositol polyphosphate-5-phosphatase; plus strand). Cytogenetic location: Xq26.1.
Variant type: single nucleotide variant.
Coding change: c.586A>G on transcript NM_000276.4 (MANE Select); coding-DNA position 586, A replaced by G.
Protein change: p.Asn196Asp; replaces asparagine 196 with aspartic acid.
Molecular consequence: missense variant.
Genome position (GRCh38, 1-based): chrX:129,558,865, A>G. VCF-style: chrX-129558865-A-G. GRCh37 (hg19) VCF-style: chrX-128692842-A-G.
Other names: c.589A>G, p.Asn197Asp (NM_001318784.2); c.586A>G, p.Asn196Asp (NM_001587.4); short protein forms N197D, N196D.
Identifiers: ClinVar variation 3409730 (VCV003409730.3).

ClinVar aggregate classification (germline): Uncertain significance. Review status: criteria provided, multiple submitters, no conflicts (2 of 4 stars). 2 submissions from 2 submitters: Uncertain significance (2). Last evaluated 2024-11-13.

Conditions:
Lowe syndrome (OCRL). Also called: LOWE OCULOCEREBRORENAL SYNDROME; PHOSPHATIDYLINOSITOL 4,5-BISPHOSPHATE 5-PHOSPHATASE DEFICIENCY; Oculocerebrorenal Syndrome. Identifiers: Orphanet 534, MedGen C0028860, MONDO:0010645, OMIM 309000.
Nephrolithiasis/nephrocalcinosis. Identifiers: MedGen CN580796.

gnomAD v4.1: 15 of 1,212,081 alleles (0.0012%); highest among the groups gnomAD compares: Non-Finnish European, 0.0017%; no homozygotes.

Submissions (2):

Ambry Genetics
Classification: Uncertain significance for Nephrolithiasis/nephrocalcinosis. Last evaluated: 2024-11-13. Review status: criteria provided, single submitter. Criteria: Ambry Variant Classification Scheme 2023. Collection method: clinical testing. Allele origin: germline.

Labcorp Genetics (formerly Invitae), Labcorp
Classification: Uncertain significance for Lowe syndrome. Last evaluated: 2024-02-20. Review status: criteria provided, single submitter. Criteria: Invitae Variant Classification Sherloc (09022015). Collection method: clinical testing. Allele origin: germline.
Comment: This sequence change replaces asparagine, which is neutral and polar, with aspartic acid, which is acidic and polar, at codon 196 of the OCRL protein (p.Asn196Asp). This variant is present in population databases (rs368704920, gnomAD 0.002%). This variant has not been reported in the literature in individuals affected with OCRL-related conditions. Advanced modeling of protein sequence and biophysical properties (such as structural, functional, and spatial information, amino acid conservation, physicochemical variation, residue mobility, and thermodynamic stability) performed at Invitae indicates that this missense variant is not expected to disrupt OCRL protein function with a negative predictive value of 95%. In summary, the available evidence is currently insufficient to determine the role of this variant in disease. Therefore, it has been classified as a Variant of Uncertain Significance.